The following is an entry in ClinVar:

ClinVar aggregate classification (germline): Uncertain significance (1 of 4 stars; one submission).

Allele frequency attached by ClinVar (database versions not stated): gnomAD exomes 0.00015; ExAC 0.00039; ESP Exome Variant Server 0.00100; gnomAD 0.00130; 1000 Genomes Project 0.00140; 1000 Genomes Project 30x 0.00141; TOPMed 0.00164.
gnomAD v4.1: 426 of 1,613,590 alleles (0.026%); highest among the groups gnomAD compares: African/African-American, 0.44%; no homozygotes.

Submission:

Ambry Genetics
Classification: Uncertain significance. Last evaluated: 2024-09-10. Review status: criteria provided, single submitter. Criteria: Ambry Variant Classification Scheme 2023. Collection method: clinical testing. Allele origin: germline.
Comment: The p.S388L variant (also known as c.1163C>T), located in coding exon 3 of the ALPK2 gene, results from a C to T substitution at nucleotide position 1163. The serine at codon 388 is replaced by leucine, an amino acid with dissimilar properties. This amino acid position is conserved. In addition, the in silico prediction for this alteration is inconclusive. Since supporting evidence is limited at this time, the clinical significance of this alteration remains unclear.

NM_052947.4(ALPK2):c.1163C>T (p.Ser388Leu)

Genes: ALPK2 (alpha kinase 2; minus strand), LOC114803473 (ALPK2 eExon liver enhancer; plus strand). Cytogenetic location: 18q21.31.
Variant type: single nucleotide variant.
Coding change: c.1163C>T on transcript NM_052947.4 (MANE Select); coding-DNA position 1163, C replaced by T.
Protein change: p.Ser388Leu; replaces serine 388 with leucine.
Molecular consequence: missense variant.
Genome position (GRCh38, 1-based): chr18:58,579,613, G>A on the plus strand (C>T on the coding strand, the complement: ALPK2 is on the minus strand). VCF-style: chr18-58579613-G-A. GRCh37 (hg19) VCF-style: chr18-56246845-G-A.
Other names: short protein forms S388L.
Identifiers: ClinVar variation 1737511 (VCV001737511.3), dbSNP rs147887741, ClinGen allele CA8977308.